The following is an entry in ClinVar:

ClinVar aggregate classification (germline): Likely pathogenic. Review status: criteria provided, multiple submitters, no conflicts (2 of 4 stars). 2 submissions from 2 submitters: Likely pathogenic (2). Last evaluated 2025-07-22.

Conditions:
Intellectual developmental disorder, autosomal dominant 46. Also called: MENTAL RETARDATION, AUTOSOMAL DOMINANT 46; Intellectual disability, autosomal dominant 46. Identifiers: MedGen C4539851, MONDO:0030911, OMIM 617601.
KCNQ5-related disorder. Also called: KCNQ5-related condition.

Submissions (2):

MVZ Medizinische Genetik Mainz
Classification: Likely pathogenic for Intellectual developmental disorder, autosomal dominant 46. Last evaluated: 2025-07-22. Review status: criteria provided, single submitter. Criteria: UK Practice Guidelines For Variant Classification V4 01 2020. Collection method: clinical testing. Allele origin: germline. Inheritance: Autosomal dominant inheritance. Affected: yes. Observed: 1 variant allele.
Comment: ACMG Criteria: PS2,PM2_SUP,PP2,PP3

Blueprint Genetics
Classification: Likely pathogenic for KCNQ5-related disorders. Last evaluated: 2020-01-28. Review status: criteria provided, single submitter. Criteria: ACMG Guidelines, 2015. Collection method: clinical testing. Allele origin: de novo. Affected: yes. Observed: 1 variant allele.

NM_019842.4(KCNQ5):c.1051G>T (p.Ala351Ser)

Gene: KCNQ5 (potassium voltage-gated channel subfamily Q member 5; plus strand). Cytogenetic location: 6q13.
Variant type: single nucleotide variant.
Coding change: c.1051G>T on transcript NM_019842.4 (MANE Select); coding-DNA position 1051, G replaced by T.
Protein change: p.Ala351Ser; replaces alanine 351 with serine.
Molecular consequence: missense variant.
Genome position (GRCh38, 1-based): chr6:73,111,329, G>T. VCF-style: chr6-73111329-G-T. GRCh37 (hg19) VCF-style: chr6-73821052-G-T.
Other names: c.1051G>T, p.Ala351Ser (NM_001160130.2, NM_001160132.2, NM_001160133.2 and 1 more transcripts); short protein forms A351S.
Identifiers: ClinVar variation 4077061 (VCV004077061.2).
Genomic context (GRCh38, chr6:73,111,329, plus strand): 5'-TTTGAAATTTTTGAGTGCCATTTTTGTATTTTGTTCCAGGGCATTCTTGGCTCAGGTTTT[G>T]CATTAAAAGTACAAGAACAACACCGCCAGAAACACTTTGAGAAAAGAAGGAACCCAGCTG-3'
Protein context (NP_062816.2, residues 341-361): LPAGILGSGF[Ala351Ser]LKVQEQHRQK